The following is an entry in ClinVar:

ClinVar aggregate classification (germline): Uncertain significance. Review status: criteria provided, multiple submitters, no conflicts (2 of 4 stars). 2 submissions from 2 submitters: Uncertain significance (2). Last evaluated 2026-09-11.

Conditions:
Hypercholesterolemia, autosomal dominant, type B (FHCL2). Also called: HYPERCHOLESTEROLEMIA, FAMILIAL, DUE TO LIGAND-DEFECTIVE APOLIPOPROTEIN B; Hyperlipoproteinemia Type IIb; Familial Hypercholesterolemia Type B; Familial hypercholesterolemia 2; APOLIPOPROTEIN B-100, FAMILIAL DEFECTIVE; APOLIPOPROTEIN B-100, FAMILIAL LIGAND-DEFECTIVE. Identifiers: MedGen C1704417, MONDO:0007751, OMIM 144010.
Familial hypobetalipoproteinemia 1. Also called: Hypobetalipoproteinemia, normotriglyceridemic; Acanthocytosis with hypobetalipoproteinemia; APOB-Related Familial Hypobetalipoproteinemia. Identifiers: MedGen C4551990, MONDO:0014252, OMIM 615558.
Cardiovascular phenotype. Identifiers: MedGen CN230736.

Allele frequency attached by ClinVar (database versions not stated): gnomAD exomes below 0.00001; TOPMed below 0.00001.
gnomAD v4.1: 1 of 1,614,088 alleles (0.000062%); highest among the groups gnomAD compares: Non-Finnish European, 0.000085%; no homozygotes.

Submissions (2):

Ambry Genetics
Classification: Uncertain significance for Cardiovascular phenotype. Last evaluated: 2026-09-11. Review status: criteria provided, single submitter. Criteria: Ambry Variant Classification Scheme 2023. Collection method: clinical testing. Allele origin: germline.
Comment: The p.A3848V variant (also known as c.11543C>T), located in coding exon 26 of the APOB gene, results from a C to T substitution at nucleotide position 11543. The alanine at codon 3848 is replaced by valine, an amino acid with similar properties. This amino acid position is conserved. In addition, this alteration is predicted to be tolerated by in silico analysis. Based on the available evidence, the clinical significance of this variant remains unclear.

Labcorp Genetics (formerly Invitae), Labcorp
Classification: Uncertain significance for Familial hypobetalipoproteinemia 1; Hypercholesterolemia, autosomal dominant, type B. Last evaluated: 2019-06-28. Review status: criteria provided, single submitter. Criteria: Invitae Variant Classification Sherloc (09022015). Collection method: clinical testing. Allele origin: germline.
Comment: This sequence change replaces alanine with valine at codon 3848 of the APOB protein (p.Ala3848Val). The alanine residue is highly conserved and there is a small physicochemical difference between alanine and valine. This variant is not present in population databases (ExAC no frequency). This variant has not been reported in the literature in individuals with APOB-related conditions. Algorithms developed to predict the effect of missense changes on protein structure and function are either unavailable or do not agree on the potential impact of this missense change (SIFT: "Deleterious"; PolyPhen-2: "Benign"; Align-GVGD: "Class C0"). In summary, the available evidence is currently insufficient to determine the role of this variant in disease. Therefore, it has been classified as a Variant of Uncertain Significance.

NM_000384.3(APOB):c.11543C>T (p.Ala3848Val)

Gene: APOB (apolipoprotein B; minus strand). Cytogenetic location: 2p24.1.
Variant type: single nucleotide variant.
Coding change: c.11543C>T on transcript NM_000384.3 (MANE Select); coding-DNA position 11543, C replaced by T.
Protein change: p.Ala3848Val; replaces alanine 3848 with valine.
Molecular consequence: missense variant.
Genome position (GRCh38, 1-based): chr2:21,005,325, G>A on the plus strand (C>T on the coding strand, the complement: APOB is on the minus strand). VCF-style: chr2-21005325-G-A. GRCh37 (hg19) VCF-style: chr2-21228197-G-A.
Other names: short protein forms A3848V.
Identifiers: ClinVar variation 950440 (VCV000950440.14), dbSNP rs1663097420, ClinGen allele CA345978156.
Genomic context (GRCh38, chr2:21,005,325, plus strand): 5'-TTAATGGAGGGAATCTCAATGGTCTGCTCAGGCACGATGATGGTGGGCAACTCAAAGTCT[G>A]CGATCTTGTTGGCTACTGCATTTAGATCCAAAGCAGCAATGCCATCTGAAACACTTTTTG-3'
Protein context (NP_000375.3, residues 3838-3858): LDLNAVANKI[Ala3848Val]DFELPTIIVP